The following is an entry in ClinVar:

NM_004356.4(CD81):c.190A>G (p.Ile64Val)

Gene: CD81 (CD81 molecule; plus strand). Cytogenetic location: 11p15.5.
Variant type: single nucleotide variant.
Coding change: c.190A>G on transcript NM_004356.4 (MANE Select); coding-DNA position 190, A replaced by G.
Protein change: p.Ile64Val; replaces isoleucine 64 with valine.
Molecular consequence: missense variant. On other transcripts: 5 prime UTR variant (1).
Genome position (GRCh38, 1-based): chr11:2,394,103, A>G. VCF-style: chr11-2394103-A-G. GRCh37 (hg19) VCF-style: chr11-2415333-A-G.
Other names: c.-24A>G (NM_001297649.2, NM_001425129.1, NM_001425130.1 and 4 more transcripts); c.190A>G, p.Ile64Val (NM_001425135.1, NM_001425137.1); short protein forms I64V.
Identifiers: ClinVar variation 2792517 (VCV002792517.3), dbSNP rs2496527107, ClinGen allele CA379123200.

ClinVar aggregate classification (germline): Uncertain significance (1 of 4 stars; one submission).

Allele frequency attached by ClinVar (database versions not stated): gnomAD exomes below 0.00001.
gnomAD v4.1: 2 of 1,612,608 alleles (0.00012%); highest among the groups gnomAD compares: Non-Finnish European, 0.00017%; no homozygotes.

Submission:

Labcorp Genetics (formerly Invitae), Labcorp
Classification: Uncertain significance. Last evaluated: 2023-09-21. Review status: criteria provided, single submitter. Criteria: Invitae Variant Classification Sherloc (09022015). Collection method: clinical testing. Allele origin: germline.
Comment: This sequence change replaces isoleucine, which is neutral and non-polar, with valine, which is neutral and non-polar, at codon 64 of the CD81 protein (p.Ile64Val). This variant is not present in population databases (gnomAD no frequency). This variant has not been reported in the literature in individuals affected with CD81-related conditions. An algorithm developed to predict the effect of missense changes on protein structure and function (PolyPhen-2) suggests that this variant is likely to be tolerated. In summary, the available evidence is currently insufficient to determine the role of this variant in disease. Therefore, it has been classified as a Variant of Uncertain Significance.